The following is an entry in ClinVar:

NM_014806.5(RUSC2):c.2626G>A (p.Glu876Lys)

Gene: RUSC2 (RUN and SH3 domain containing 2; plus strand). Cytogenetic location: 9p13.3.
Variant type: single nucleotide variant.
Coding change: c.2626G>A on transcript NM_014806.5 (MANE Select); coding-DNA position 2626, G replaced by A.
Protein change: p.Glu876Lys; replaces glutamic acid 876 with lysine.
Molecular consequence: missense variant. On other transcripts: 5 prime UTR variant (1), non-coding transcript variant (1).
Genome position (GRCh38, 1-based): chr9:35,555,671, G>A. VCF-style: chr9-35555671-G-A. GRCh37 (hg19) VCF-style: chr9-35555668-G-A.
Other names: c.2626G>A, p.Glu876Lys (NM_001135999.2); c.-9G>A (NM_001330740.2); short protein forms E876K.
Identifiers: ClinVar variation 1298339 (VCV001298339.9), dbSNP rs1486315197, ClinGen allele CA373342951.

ClinVar aggregate classification (germline): Uncertain significance. Review status: criteria provided, multiple submitters, no conflicts (2 of 4 stars). 2 submissions from 2 submitters: Uncertain significance (2). Last evaluated 2023-07-17.

Conditions:
Intellectual developmental disorder, autosomal recessive 61. Also called: MENTAL RETARDATION, AUTOSOMAL RECESSIVE 61; ALWADEI SYNDROME; Intellectual disability, autosomal recessive 61. Identifiers: MedGen C4540424, MONDO:0030915, OMIM 617773.

Allele frequency attached by ClinVar (database versions not stated): gnomAD exomes 0.00001; TOPMed 0.00001; gnomAD 0.00001.
gnomAD v4.1: 16 of 1,601,482 alleles (0.001%); highest among the groups gnomAD compares: Non-Finnish European, 0.0014%; no homozygotes.

Submissions (2):

Labcorp Genetics (formerly Invitae), Labcorp
Classification: Uncertain significance. Last evaluated: 2023-07-17. Review status: criteria provided, single submitter. Criteria: Invitae Variant Classification Sherloc (09022015). Collection method: clinical testing. Allele origin: germline.
Comment: This sequence change replaces glutamic acid, which is acidic and polar, with lysine, which is basic and polar, at codon 876 of the RUSC2 protein (p.Glu876Lys). This variant is present in population databases (no rsID available, gnomAD 0.007%). This variant has not been reported in the literature in individuals affected with RUSC2-related conditions. ClinVar contains an entry for this variant (Variation ID: 1298339). An algorithm developed to predict the effect of missense changes on protein structure and function (PolyPhen-2) suggests that this variant is likely to be disruptive. Algorithms developed to predict the effect of sequence changes on RNA splicing suggest that this variant may create or strengthen a splice site. In summary, the available evidence is currently insufficient to determine the role of this variant in disease. Therefore, it has been classified as a Variant of Uncertain Significance.

Breda Genetics srl
Classification: Uncertain significance for Intellectual developmental disorder, autosomal recessive 61. Last evaluated: 2021-04-30. Review status: criteria provided, single submitter. Criteria: ACMG Guidelines, 2015. Collection method: clinical testing. Allele origin: germline. Inheritance: Autosomal recessive inheritance. Affected: yes. Observed: 1 variant allele, 1 heterozygote.
Comment: Based on allele frequency, in-silico prediction scores and a certain overlap with the clinical phenotype, we interpreted this variant at least as of uncertain significance. The lack of one or more of the following features has discouraged further investigations: lack of a possible second hit in autosomal recessive conditions, presence of healthy controls in databases for autosomal dominant conditions, presence of unmatching cardinal clinical features in the patient or in the known gene-disease association, and/or variant type outside the known gene mutational spectrum.